The following is an entry in ClinVar:

ClinVar aggregate classification (germline): Uncertain significance (1 of 4 stars; one submission).

Conditions:
SEMA3D-related disorder. Also called: SEMA3D-related condition.

Submission:

PreventionGenetics, part of Exact Sciences
Classification: Uncertain significance for SEMA3D-related condition. Last evaluated: 2025-09-19. Review status: criteria provided, single submitter. Criteria: ACMG Guidelines, 2015. Collection method: clinical testing. Allele origin: germline.
Comment: The SEMA3D c.597C>G variant is predicted to result in premature protein termination (p.Tyr199*). To our knowledge, this variant has not been reported in the literature or in a large population database (gnomAD), indicating this variant is rare. SEMA3D premature termination variants are relatively common in the gnomAD general population database, and variants of this type are not an established mechanism of disease. At this time, the clinical significance of this variant is uncertain due to the absence of conclusive functional and genetic evidence.

NM_001384900.1(SEMA3D):c.597C>G (p.Tyr199Ter)

Gene: SEMA3D (semaphorin 3D; minus strand). Cytogenetic location: 7q21.11.
Variant type: single nucleotide variant.
Coding change: c.597C>G on transcript NM_001384900.1 (MANE Select); coding-DNA position 597, C replaced by G.
Protein change: p.Tyr199Ter; replaces tyrosine 199 with a stop codon.
Molecular consequence: nonsense.
Genome position (GRCh38, 1-based): chr7:85,065,545, G>C on the plus strand (C>G on the coding strand, the complement: SEMA3D is on the minus strand). VCF-style: chr7-85065545-G-C. GRCh37 (hg19) VCF-style: chr7-84694861-G-C.
Other names: c.597C>G, p.Tyr199Ter (NM_001384901.1, NM_001384902.1, NM_001384903.1 and 1 more transcripts); short protein forms Y199*.
Identifiers: ClinVar variation 4996543 (VCV004996543.1).